The following is an entry in ClinVar:

NM_032193.4(RNASEH2C):c.*542G>A

Genes: KAT5 (lysine acetyltransferase 5; plus strand), RNASEH2C (ribonuclease H2 subunit C; minus strand). Cytogenetic location: 11q13.1.
Variant type: single nucleotide variant.
Coding change: c.*542G>A on transcript NM_032193.4 (MANE Select); 542 bases downstream of the stop codon, G replaced by A.
Molecular consequence: 3 prime UTR variant.
Genome position (GRCh38, 1-based): chr11:65,719,241, C>T on the plus strand (G>A on the coding strand, the complement: RNASEH2C is on the minus strand). VCF-style: chr11-65719241-C-T. GRCh37 (hg19) VCF-style: chr11-65486712-C-T.
Other names: c.*60C>T (NM_001206833.2, NM_006388.4, NM_182709.3 and 1 more transcripts).
Identifiers: ClinVar variation 305346 (VCV000305346.5), dbSNP rs186106053, ClinGen allele CA10635276.

ClinVar aggregate classification (germline): Likely benign (1 of 4 stars; one submission).

Conditions:
Aicardi-Goutieres syndrome 3. Identifiers: Orphanet 51, MedGen C1835916, MONDO:0012471, OMIM 610329.

Allele frequency attached by ClinVar (database versions not stated): gnomAD 0.00205 and 0.00206; 1000 Genomes Project 30x 0.00234; 1000 Genomes Project 0.00240; TOPMed 0.00306.
gnomAD v4.1: 1,434 of 1,578,936 alleles (0.091%); highest among the groups gnomAD compares: Admixed American, 2%; 16 homozygotes.

Submission:

Illumina Laboratory Services, Illumina
Classification: Likely benign for Aicardi-Goutieres syndrome 3. Last evaluated: 2018-01-12. Review status: criteria provided, single submitter. Criteria: ICSL Variant Classification Criteria 13 December 2019. Collection method: clinical testing. Allele origin: germline.
Comment: This variant was observed in the ICSL laboratory as part of a predisposition screen in an ostensibly healthy population. It had not been previously curated by ICSL or reported in the Human Gene Mutation Database (HGMD: prior to June 1st, 2018), and was therefore a candidate for classification through an automated scoring system. Utilizing variant allele frequency, disease prevalence and penetrance estimates, and inheritance mode, an automated score was calculated to assess if this variant is too frequent to cause the disease. Based on the score and internal cut-off values, a variant classified as likely benign is not then subjected to further curation. The score for this variant resulted in a classification of likely benign for this disease.